The following is an entry in ClinVar:

ClinVar aggregate classification (germline): Uncertain significance (1 of 4 stars; one submission).

Submission:

Genetic Services Laboratory, University of Chicago
Classification: Uncertain significance. Last evaluated: 2020-04-22. Review status: criteria provided, single submitter. Criteria: ACMG Guidelines, 2015. Collection method: clinical testing. Allele origin: germline. Affected: no.
Comment: DNA sequence analysis of the IKZF1 gene demonstrated a sequence change, c.191A>G, in exon 4 that results in an amino acid change, p.Asp64Gly. This sequence change does not appear to have been previously described in patients with IKZF1-related disorders and has also not been described in population databases (gnomAD, ExAC). The p.Asp64Gly change affects a highly conserved amino acid residue located in a domain of the IKZF1 protein that is not known to be functional. In-silico pathogenicity prediction tools (SIFT, PolyPhen2, Align GVGD, REVEL) provide contradictory results for the p.Asp64Gly substitution. Due to these contrasting evidences and the lack of functional studies, the clinical significance of the p.Asp64Gly change remains unknown at this time.

NM_006060.6(IKZF1):c.191A>G (p.Asp64Gly)

Gene: IKZF1 (IKAROS family zinc finger 1; plus strand). Cytogenetic location: 7p12.2.
Variant type: single nucleotide variant.
Coding change: c.191A>G on transcript NM_006060.6 (MANE Select); coding-DNA position 191, A replaced by G.
Protein change: p.Asp64Gly; replaces aspartic acid 64 with glycine.
Molecular consequence: missense variant. On other transcripts: intron variant (9).
Genome position (GRCh38, 1-based): chr7:50,376,563, A>G. VCF-style: chr7-50376563-A-G. GRCh37 (hg19) VCF-style: chr7-50444261-A-G.
Other names: c.191A>G, p.Asp64Gly (NM_001220765.3, NM_001220768.2, NM_001220771.2 and 1 more transcripts); c.161-5977A>G (NM_001291839.2, NM_001291838.2, NM_001220767.2 and 1 more transcripts); c.161-10782A>G (NM_001291841.1, NM_001291842.1); c.161-15166A>G (NM_001291843.1, NM_001291844.1); c.161-23355A>G (NM_001291840.1); short protein forms D64G.
Identifiers: ClinVar variation 1337622 (VCV001337622.4), dbSNP rs1442508767, ClinGen allele CA367526956.